The following is an entry in ClinVar:

NM_198569.3(ADGRG6):c.1957G>A (p.Ala653Thr)

Gene: ADGRG6 (adhesion G protein-coupled receptor G6; plus strand). Cytogenetic location: 6q24.2.
Variant type: single nucleotide variant.
Coding change: c.1957G>A on transcript NM_198569.3 (MANE Select); coding-DNA position 1957, G replaced by A.
Protein change: p.Ala653Thr; replaces alanine 653 with threonine.
Molecular consequence: missense variant.
Genome position (GRCh38, 1-based): chr6:142,403,803, G>A. VCF-style: chr6-142403803-G-A. GRCh37 (hg19) VCF-style: chr6-142724940-G-A.
Other names: c.1873G>A, p.Ala625Thr (NM_001032394.3, NM_001032395.3); c.1957G>A, p.Ala653Thr (NM_020455.6); short protein forms A625T, A653T.
Identifiers: ClinVar variation 787836 (VCV000787836.7), dbSNP rs184235213, ClinGen allele CA4027063.
Genomic context (GRCh38, chr6:142,403,803, plus strand): 5'-TGTTTAAGAATCTAAAATATCATATTACTTAATAGTGGCATTTTTTGTCGTTACTTTAGA[G>A]CTTTAAAAACAATTGATGAATTGGCCTTCAAGATAGACCTAAATAGCACATCACATGTGA-3'
Protein context (NP_940971.2, residues 643-663): DSDLLESSSE[Ala653Thr]LKTIDELAFK

ClinVar aggregate classification (germline): Likely benign. Review status: criteria provided, multiple submitters, no conflicts (2 of 4 stars). 3 submissions from 3 submitters: Likely benign (2). 1 of the submissions does not count toward it. Last evaluated 2019-12-31.

Conditions:
ADGRG6-related disorder. Also called: ADGRG6-related condition.

Allele frequency attached by ClinVar (database versions not stated): gnomAD exomes 0.00058; ExAC 0.00069; gnomAD 0.00226 and 0.00244; ESP Exome Variant Server 0.00237; 1000 Genomes Project 0.00260; TOPMed 0.00261; 1000 Genomes Project 30x 0.00265.
gnomAD v4.1: 654 of 1,568,456 alleles (0.042%); highest among the groups gnomAD compares: African/African-American, 0.78%; 3 homozygotes.

Submissions (3):

Labcorp Genetics (formerly Invitae), Labcorp
Classification: Likely benign. Last evaluated: 2019-12-31. Review status: criteria provided, single submitter. Criteria: Invitae Variant Classification Sherloc (09022015). Collection method: clinical testing. Allele origin: germline.

Breakthrough Genomics
Classification: Likely benign. Review status: criteria provided, single submitter. Criteria: ACMG Guidelines, 2015. Collection method: not provided. Allele origin: germline. Inheritance: Autosomal recessive inheritance. Affected: yes.

PreventionGenetics, part of Exact Sciences
Classification: Likely benign for ADGRG6-related condition. Last evaluated: 2019-04-30. Review status: no assertion criteria provided. Collection method: clinical testing. Allele origin: germline. Not counted in ClinVar's aggregate classification.
Comment: This variant is classified as likely benign based on ACMG/AMP sequence variant interpretation guidelines (Richards et al. 2015 PMID: 25741868, with internal and published modifications).